The following is an entry in ClinVar:

ClinVar aggregate classification (germline): Uncertain significance (1 of 4 stars; one submission).

Conditions:
Acute myeloid leukemia (AML). Also called: Leukemia, acute myeloid, somatic; Leukemia, acute myelogenous, somatic; Acute myeloid leukemia, adult; AML adult; Acute non-lymphocytic leukemia; Acute granulocytic leukemia. Identifiers: Orphanet 519, MedGen C0023467, MeSH D015470, MONDO:0018874, OMIM 601626, HP:0004808. Disease mechanism: Constitutively activated FLT3.

Submission:

Labcorp Genetics (formerly Invitae), Labcorp
Classification: Uncertain significance for Acute myeloid leukemia. Last evaluated: 2025-04-21. Review status: criteria provided, single submitter. Criteria: Invitae Variant Classification Sherloc (09022015). Collection method: clinical testing. Allele origin: germline.
Comment: This sequence change replaces proline, which is neutral and non-polar, with alanine, which is neutral and non-polar, at codon 45 of the CEBPA protein (p.Pro45Ala). This variant is not present in population databases (gnomAD no frequency). This variant has not been reported in the literature in individuals affected with CEBPA-related conditions. ClinVar contains an entry for this variant (Variation ID: 1521701). Invitae Evidence Modeling of protein sequence and biophysical properties (such as structural, functional, and spatial information, amino acid conservation, physicochemical variation, residue mobility, and thermodynamic stability) indicates that this missense variant is not expected to disrupt CEBPA protein function with a negative predictive value of 80%. In summary, the available evidence is currently insufficient to determine the role of this variant in disease. Therefore, it has been classified as a Variant of Uncertain Significance.

NM_004364.5(CEBPA):c.133C>G (p.Pro45Ala)

Gene: CEBPA (CCAAT enhancer binding protein alpha; minus strand). Cytogenetic location: 19q13.11.
Variant type: single nucleotide variant.
Coding change: c.133C>G on transcript NM_004364.5 (MANE Select); coding-DNA position 133, C replaced by G.
Protein change: p.Pro45Ala; replaces proline 45 with alanine.
Molecular consequence: missense variant. On other transcripts: 5 prime UTR variant (1).
Genome position (GRCh38, 1-based): chr19:33,302,282, G>C on the plus strand (C>G on the coding strand, the complement: CEBPA is on the minus strand). VCF-style: chr19-33302282-G-C. GRCh37 (hg19) VCF-style: chr19-33793188-G-C.
Other names: c.-225C>G (NM_001285829.2); c.238C>G, p.Pro80Ala (NM_001287424.2); c.91C>G, p.Pro31Ala (NM_001287435.2); short protein forms P45A, P80A, P31A.
Identifiers: ClinVar variation 1521701 (VCV001521701.8), dbSNP rs2145264273, ClinGen allele CA405275608.